The following is an entry in ClinVar:

ClinVar aggregate classification (germline): Uncertain significance. Review status: criteria provided, multiple submitters, no conflicts (2 of 4 stars). 2 submissions from 2 submitters: Uncertain significance (2). Last evaluated 2026-08-06.

Conditions:
Intellectual developmental disorder, X-linked, syndromic, Houge type. Also called: MENTAL RETARDATION, X-LINKED, SYNDROMIC, HOUGE TYPE; Intellectual disability, X-linked, syndromic, Houge type. Identifiers: MedGen C4538788, MONDO:0030909, OMIM 301008.

gnomAD v4.1: 1 of 1,205,128 alleles (0.000083%); highest among the groups gnomAD compares: Admixed American, 0.0022%; no homozygotes.

Submissions (2):

OLLIN Analises Genomicas, OLLIN
Classification: Uncertain significance for Intellectual developmental disorder, X-linked, syndromic, Houge type. Last evaluated: 2026-08-06. Review status: criteria provided, single submitter. Criteria: ACMG Guidelines 2015 PMID 25741868. Collection method: clinical testing. Allele origin: germline. Inheritance: X-linked inheritance.
Comment: This missense variant, located in exon 11 (of 22), has been observed in gnomAD with an allele frequency of 0.000083%, but has not been reported in ClinVar or identified in the literature. In silico analysis predicts that this variant has a tolerated effect. According to the currently available evidence, this variant has been classified as uncertain significance (PM2_P, BP4).

Laboratorio de Genetica e Diagnostico Molecular, Hospital Israelita Albert Einstein
Classification: Uncertain significance for Intellectual developmental disorder, X-linked, syndromic, Houge type. Last evaluated: 2025-06-12. Review status: criteria provided, single submitter. Criteria: ACMG Guidelines, 2015. Collection method: clinical testing. Allele origin: germline. Affected: yes.
Comment: ACMG classification criteria: PM2 supporting, BP4 supporting

NM_014927.5(CNKSR2):c.1132C>T (p.His378Tyr)

Gene: CNKSR2 (connector enhancer of kinase suppressor of Ras 2; plus strand). Cytogenetic location: Xp22.12.
Variant type: single nucleotide variant.
Coding change: c.1132C>T on transcript NM_014927.5 (MANE Select); coding-DNA position 1132, C replaced by T.
Protein change: p.His378Tyr; replaces histidine 378 with tyrosine.
Molecular consequence: missense variant.
Genome position (GRCh38, 1-based): chrX:21,531,896, C>T. VCF-style: chrX-21531896-C-T. GRCh37 (hg19) VCF-style: chrX-21550014-C-T.
Other names: c.985C>T, p.His329Tyr (NM_001330770.2, NM_001330771.2, NM_001330772.2 and 1 more transcripts); c.1132C>T, p.His378Tyr (NM_001330773.2, NM_001168647.3, NM_001168648.3); short protein forms H329Y, H378Y.
Identifiers: ClinVar variation 4847001 (VCV004847001.2).